The following is an entry in ClinVar:

ClinVar aggregate classification (germline): Uncertain significance. Review status: criteria provided, multiple submitters, no conflicts (2 of 4 stars). 3 submissions from 3 submitters: Uncertain significance (3). Last evaluated 2025-05-21.

Conditions:
Catecholaminergic polymorphic ventricular tachycardia (CVPT). Also called: Catecholamine-induced polymorphic ventricular tachycardia. Identifiers: Orphanet 3286, MedGen C5574922, MONDO:0017990.
Cardiovascular phenotype. Identifiers: MedGen CN230736.
Cardiomyopathy (CMYO). Also called: Cardiomyopathies. Identifiers: Orphanet 167848, MedGen C0878544, MONDO:0004994, HP:0001638. Inheritance: Various modes of inheritance.

gnomAD v4.1: 2 of 1,613,862 alleles (0.00012%); highest among the groups gnomAD compares: African/African-American, 0.0027%; no homozygotes.

Submissions (3):

Color Diagnostics, LLC DBA Color Health
Classification: Uncertain significance for Cardiomyopathy. Last evaluated: 2025-05-21. Review status: criteria provided, single submitter. Criteria: ACMG Guidelines, 2015. Collection method: clinical testing. Allele origin: germline.
Comment: This missense variant replaces valine with leucine at codon 214 of the RYR2 protein. Computational prediction suggests that this variant may have deleterious impact on protein structure and function. To our knowledge, functional studies have not been reported for this variant. This variant has not been reported in individuals affected with RYR2-related disorders in the literature. This variant has been identified in 1/31410 chromosomes in the general population by the Genome Aggregation Database (gnomAD). The available evidence is insufficient to determine the role of this variant in disease conclusively. Therefore, this variant is classified as a Variant of Uncertain Significance.

Ambry Genetics
Classification: Uncertain significance for Cardiovascular phenotype. Last evaluated: 2023-10-27. Review status: criteria provided, single submitter. Criteria: Ambry Variant Classification Scheme 2023. Collection method: clinical testing. Allele origin: germline.
Comment: The p.V214L variant (also known as c.640G>C), located in coding exon 9 of the RYR2 gene, results from a G to C substitution at nucleotide position 640. The valine at codon 214 is replaced by leucine, an amino acid with highly similar properties. This amino acid position is well conserved in available vertebrate species. In addition, this alteration is predicted to be deleterious by in silico analysis. Since supporting evidence is limited at this time, the clinical significance of this alteration remains unclear.

All of Us Research Program, National Institutes of Health
Classification: Uncertain significance for Catecholaminergic polymorphic ventricular tachycardia. Last evaluated: 2023-02-24. Review status: criteria provided, single submitter. Criteria: ACMG Guidelines, 2015. Collection method: clinical testing. Allele origin: germline. Inheritance: Autosomal dominant inheritance. Observed: 1 variant allele, 1 heterozygote.
Comment: This missense variant replaces valine with leucine at codon 214 of the RYR2 protein. Computational prediction suggests that this variant may have deleterious impact on protein structure and function (internally defined REVEL score threshold >= 0.7, PMID: 27666373). To our knowledge, functional studies have not been reported for this variant. This variant has not been reported in individuals affected with RYR2-related disorders in the literature. This variant has been identified in 1/31410 chromosomes in the general population by the Genome Aggregation Database (gnomAD). The available evidence is insufficient to determine the role of this variant in disease conclusively. Therefore, this variant is classified as a Variant of Uncertain Significance.

This study involves interpretation of variants in research participants for the purpose of population health screening. Participant phenotype was not available at the time of variant classification. Additional details can be found in publication PMID: 35346344, PMCID: PMC8962531

NM_001035.3(RYR2):c.640G>C (p.Val214Leu)

Gene: RYR2 (ryanodine receptor 2; plus strand). Cytogenetic location: 1q43.
Variant type: single nucleotide variant.
Coding change: c.640G>C on transcript NM_001035.3 (MANE Select); coding-DNA position 640, G replaced by C.
Protein change: p.Val214Leu; replaces valine 214 with leucine.
Molecular consequence: missense variant.
Genome position (GRCh38, 1-based): chr1:237,387,344, G>C. VCF-style: chr1-237387344-G-C. GRCh37 (hg19) VCF-style: chr1-237550644-G-C.
Other names: short protein forms V214L.
Identifiers: ClinVar variation 1753378 (VCV001753378.4), dbSNP rs1036926941, ClinGen allele CA345377440.